The following is an entry in ClinVar:

NM_002691.4(POLD1):c.1313C>T (p.Ser438Phe)

Gene: POLD1 (DNA polymerase delta 1, catalytic subunit; plus strand). Cytogenetic location: 19q13.33.
Variant type: single nucleotide variant.
Coding change: c.1313C>T on transcript NM_002691.4 (MANE Select); coding-DNA position 1313, C replaced by T.
Protein change: p.Ser438Phe; replaces serine 438 with phenylalanine.
Molecular consequence: missense variant. On other transcripts: non-coding transcript variant (1).
Genome position (GRCh38, 1-based): chr19:50,406,252, C>T. VCF-style: chr19-50406252-C-T. GRCh37 (hg19) VCF-style: chr19-50909509-C-T.
Other names: c.1313C>T, p.Ser438Phe (NM_001256849.1, NM_001308632.1); short protein forms S438F.
Identifiers: ClinVar variation 1956657 (VCV001956657.5), dbSNP rs2122318714, ClinGen allele CA406979854.

ClinVar aggregate classification (germline): Uncertain significance (1 of 4 stars; one submission).

Conditions:
POLD1-related polyposis and colorectal cancer syndrome (CRCS10). Also called: Colorectal cancer 10; COLORECTAL CANCER, SUSCEPTIBILITY TO, ON CHROMOSOME 19q; Colorectal cancer, susceptibility to, 10. Identifiers: Orphanet 220460, MedGen C2675481, MONDO:0012953, OMIM 612591.

Submission:

Labcorp Genetics (formerly Invitae), Labcorp
Classification: Uncertain significance for POLD1-related polyposis and colorectal cancer syndrome. Last evaluated: 2022-04-25. Review status: criteria provided, single submitter. Criteria: Invitae Variant Classification Sherloc (09022015). Collection method: clinical testing. Allele origin: germline.
Comment: In summary, the available evidence is currently insufficient to determine the role of this variant in disease. Therefore, it has been classified as a Variant of Uncertain Significance. Algorithms developed to predict the effect of sequence changes on RNA splicing suggest that this variant may create or strengthen a splice site. Algorithms developed to predict the effect of missense changes on protein structure and function are either unavailable or do not agree on the potential impact of this missense change (SIFT: "Deleterious"; PolyPhen-2: "Probably Damaging"; Align-GVGD: "Class C15"). This variant has not been reported in the literature in individuals affected with POLD1-related conditions. This variant is not present in population databases (gnomAD no frequency). This sequence change replaces serine, which is neutral and polar, with phenylalanine, which is neutral and non-polar, at codon 438 of the POLD1 protein (p.Ser438Phe).